The following is an entry in ClinVar:

NM_006227.4(PLTP):c.911G>A (p.Arg304Lys)

Gene: PLTP (phospholipid transfer protein; minus strand). Cytogenetic location: 20q13.12.
Variant type: single nucleotide variant.
Coding change: c.911G>A on transcript NM_006227.4 (MANE Select); coding-DNA position 911, G replaced by A.
Protein change: p.Arg304Lys; replaces arginine 304 with lysine.
Molecular consequence: missense variant.
Genome position (GRCh38, 1-based): chr20:45,904,831, C>T on the plus strand (G>A on the coding strand, the complement: PLTP is on the minus strand). VCF-style: chr20-45904831-C-T. GRCh37 (hg19) VCF-style: chr20-44533470-C-T.
Other names: c.626G>A, p.Arg209Lys (NM_001242920.2); c.647G>A, p.Arg216Lys (NM_001242921.1); c.755G>A, p.Arg252Lys (NM_182676.3); short protein forms R209K, R216K, R252K, R304K.
Identifiers: ClinVar variation 2716331 (VCV002716331.3), dbSNP rs762195629, ClinGen allele CA9883685.

ClinVar aggregate classification (germline): Uncertain significance (1 of 4 stars; one submission).

Allele frequency attached by ClinVar (database versions not stated): gnomAD exomes 0.00002; ExAC 0.00003; TOPMed 0.00004; gnomAD 0.00005.

Submission:

Labcorp Genetics (formerly Invitae), Labcorp
Classification: Uncertain significance. Last evaluated: 2023-11-08. Review status: criteria provided, single submitter. Criteria: Invitae Variant Classification Sherloc (09022015). Collection method: clinical testing. Allele origin: germline.
Comment: This sequence change replaces arginine, which is basic and polar, with lysine, which is basic and polar, at codon 304 of the PLTP protein (p.Arg304Lys). This variant is present in population databases (rs762195629, gnomAD 0.006%). This variant has not been reported in the literature in individuals affected with PLTP-related conditions. An algorithm developed to predict the effect of missense changes on protein structure and function (PolyPhen-2) suggests that this variant is likely to be disruptive. In summary, the available evidence is currently insufficient to determine the role of this variant in disease. Therefore, it has been classified as a Variant of Uncertain Significance.